The following is an entry in ClinVar:

ClinVar aggregate classification (germline): Uncertain significance (1 of 4 stars; one submission).

Submission:

Labcorp Genetics (formerly Invitae), Labcorp
Classification: Uncertain significance. Last evaluated: 2024-04-27. Review status: criteria provided, single submitter. Criteria: Invitae Variant Classification Sherloc (09022015). Collection method: clinical testing. Allele origin: germline.
Comment: This sequence change replaces glycine, which is neutral and non-polar, with arginine, which is basic and polar, at codon 93 of the SPPL2A protein (p.Gly93Arg). This variant is not present in population databases (gnomAD no frequency). This variant has not been reported in the literature in individuals affected with SPPL2A-related conditions. An algorithm developed to predict the effect of missense changes on protein structure and function (PolyPhen-2) suggests that this variant is likely to be disruptive. In summary, the available evidence is currently insufficient to determine the role of this variant in disease. Therefore, it has been classified as a Variant of Uncertain Significance.

NM_032802.4(SPPL2A):c.277G>C (p.Gly93Arg)

Gene: SPPL2A (signal peptide peptidase like 2A; minus strand). Cytogenetic location: 15q21.2.
Variant type: single nucleotide variant.
Coding change: c.277G>C on transcript NM_032802.4 (MANE Select); coding-DNA position 277, G replaced by C.
Protein change: p.Gly93Arg; replaces glycine 93 with arginine.
Molecular consequence: missense variant.
Genome position (GRCh38, 1-based): chr15:50,748,771, C>G on the plus strand (G>C on the coding strand, the complement: SPPL2A is on the minus strand). VCF-style: chr15-50748771-C-G. GRCh37 (hg19) VCF-style: chr15-51040968-C-G.
Other names: short protein forms G93R.
Identifiers: ClinVar variation 3675792 (VCV003675792.2).